The following is an entry in ClinVar:

ClinVar aggregate classification (germline): Benign. Review status: criteria provided, multiple submitters, no conflicts (2 of 4 stars). 6 submissions from 6 submitters: Benign (6). Last evaluated 2026-01-28.

Conditions:
Cataract 18 (CATC2). Also called: CATARACT 18, AUTOSOMAL RECESSIVE. Identifiers: Orphanet 91492, Orphanet 98991, Orphanet 98992, Orphanet 98995, MedGen C1864908, MONDO:0012395, OMIM 610019.

Allele frequency attached by ClinVar (database versions not stated): gnomAD exomes 0.73603 and 0.79194; ESP Exome Variant Server 0.77095; gnomAD 0.78251 and 0.78747; ExAC 0.79208; TOPMed 0.79532; 1000 Genomes Project 30x 0.86493; 1000 Genomes Project 0.86721.
gnomAD v4.1: 1,197,447 of 1,613,656 alleles (74%); highest among the groups gnomAD compares: East Asian, 94%; 448,203 homozygotes.

Submissions (6):

Labcorp Genetics (formerly Invitae), Labcorp
Classification: Benign for Cataract 18. Last evaluated: 2026-01-28. Review status: criteria provided, single submitter. Criteria: Invitae Variant Classification Sherloc (09022015). Collection method: clinical testing. Allele origin: germline.

Genome-Nilou Lab
Classification: Benign for Cataract 18. Last evaluated: 2021-08-10. Review status: criteria provided, single submitter. Criteria: ACMG Guidelines, 2015. Collection method: clinical testing. Allele origin: germline. Affected: no.

GeneDx
Classification: Benign. Last evaluated: 2018-03-24. Review status: criteria provided, single submitter. Criteria: GeneDx Variant Classification (06012015). Collection method: clinical testing. Allele origin: germline. Affected: yes.
Comment: This variant is considered likely benign or benign based on one or more of the following criteria: it is a conservative change, it occurs at a poorly conserved position in the protein, it is predicted to be benign by multiple in silico algorithms, and/or has population frequency not consistent with disease.

Illumina Laboratory Services, Illumina
Classification: Benign for Cataract 18. Last evaluated: 2018-01-13. Review status: criteria provided, single submitter. Criteria: ICSL Variant Classification Criteria 13 December 2019. Collection method: clinical testing. Allele origin: germline.
Comment: This variant was observed in the ICSL laboratory as part of a predisposition screen in an ostensibly healthy population. It had not been previously curated by ICSL or reported in the Human Gene Mutation Database (HGMD: prior to June 1st, 2018), and was therefore a candidate for classification through an automated scoring system. Utilizing variant allele frequency, disease prevalence and penetrance estimates, and inheritance mode, an automated score was calculated to assess if this variant is too frequent to cause the disease. Based on the score and internal cut-off values, a variant classified as benign is not then subjected to further curation. The score for this variant resulted in a classification of benign for this disease.

Breakthrough Genomics
Classification: Benign. Review status: criteria provided, single submitter. Criteria: ACMG Guidelines, 2015. Collection method: not provided. Allele origin: germline. Inheritance: Autosomal recessive inheritance. Affected: yes.

PreventionGenetics, part of Exact Sciences
Classification: Benign. Review status: criteria provided, single submitter. Criteria: ACMG Guidelines, 2015. Collection method: clinical testing. Allele origin: germline.

NM_024513.4(FYCO1):c.3924C>T (p.Leu1308=)

Gene: FYCO1 (FYVE and coiled-coil domain autophagy adaptor 1; minus strand). Cytogenetic location: 3p21.31.
Variant type: single nucleotide variant.
Coding change: c.3924C>T on transcript NM_024513.4 (MANE Select); coding-DNA position 3924, C replaced by T.
Protein change: p.Leu1308=; no amino-acid change (leucine 1308 retained).
Molecular consequence: synonymous variant.
Genome position (GRCh38, 1-based): chr3:45,955,269, G>A on the plus strand (C>T on the coding strand, the complement: FYCO1 is on the minus strand). VCF-style: chr3-45955269-G-A. GRCh37 (hg19) VCF-style: chr3-45996761-G-A.
Identifiers: ClinVar variation 261734 (VCV000261734.17), dbSNP rs1463680, ClinGen allele CA2352646.